The following is an entry in ClinVar:

ClinVar aggregate classification (germline): Uncertain significance (1 of 4 stars; one submission).

Conditions:
UCP3-related disorder. Also called: UCP3-related condition.

gnomAD v4.1: 5 of 1,614,174 alleles (0.00031%); highest among the groups gnomAD compares: Non-Finnish European, 0.00042%; no homozygotes.

Submission:

PreventionGenetics, part of Exact Sciences
Classification: Uncertain significance for UCP3-related condition. Last evaluated: 2024-11-11. Review status: criteria provided, single submitter. Criteria: ACMG Guidelines, 2015. Collection method: clinical testing. Allele origin: germline.
Comment: The UCP3 c.494C>A variant is predicted to result in the amino acid substitution p.Ala165Asp. To our knowledge, this variant has not been reported in the literature or in a large population database (gnomAD), indicating this variant is rare. At this time, the clinical significance of this variant is uncertain due to the absence of conclusive functional and genetic evidence.

NM_003356.4(UCP3):c.494C>A (p.Ala165Asp)

Gene: UCP3 (uncoupling protein 3; minus strand). Cytogenetic location: 11q13.4.
Variant type: single nucleotide variant.
Coding change: c.494C>A on transcript NM_003356.4 (MANE Select); coding-DNA position 494, C replaced by A.
Protein change: p.Ala165Asp; replaces alanine 165 with aspartic acid.
Molecular consequence: missense variant.
Genome position (GRCh38, 1-based): chr11:74,005,777, G>T on the plus strand (C>A on the coding strand, the complement: UCP3 is on the minus strand). VCF-style: chr11-74005777-G-T. GRCh37 (hg19) VCF-style: chr11-73716822-G-T.
Other names: c.494C>A, p.Ala165Asp (NM_022803.3); short protein forms A165D.
Identifiers: ClinVar variation 4978603 (VCV004978603.1).